The following is an entry in ClinVar:

NM_006231.4(POLE):c.1115_1116del (p.Val372fs)

Gene: POLE (DNA polymerase epsilon, catalytic subunit; minus strand). Cytogenetic location: 12q24.33.
Variant type: Microsatellite.
Coding change: c.1115_1116del on transcript NM_006231.4 (MANE Select); coding-DNA positions 1115 to 1116, 2 bases deleted (TG; older notation c.1115_1116delTG).
Protein change: p.Val372fs; shifts the reading frame from valine 372.
Molecular consequence: frameshift variant.
Genome position (GRCh38, 1-based): chr12:132,675,508-132,675,509, CA deleted on the plus strand (TG on the coding strand, the reverse complement: POLE is on the minus strand); deleting any 2 consecutive bases within chr12:132,675,508-132,675,511 gives the same sequence; the c. name uses the placement nearest the transcript's 3' end. VCF-style (leftmost placement, unchanged base first): chr12-132675507-CCA-C. GRCh37 (hg19) VCF-style: chr12-133252093-CCA-C.
Other names: short protein forms V372fs.
Identifiers: ClinVar variation 957326 (VCV000957326.9), dbSNP rs2043027132, ClinGen allele CA2073002876.
Genomic context (GRCh38, chr12:132,675,507, plus strand): 5'-TGTCCTTCTGGAAGCCTATCTCCTGCTGCATGCTCAGACCGTGGACTGCTGCCCGGGCCT[CCA>C]CAAATGGCCTGGGTTGGAAAGAGGACAGACAAGCAAGTGGGCAGGTCAGGCTCTAATGCC-3'

ClinVar aggregate classification (germline): Pathogenic (1 of 4 stars; one submission).

Submission:

Labcorp Genetics (formerly Invitae), Labcorp
Classification: Pathogenic. Last evaluated: 2022-05-12. Review status: criteria provided, single submitter. Criteria: Invitae Variant Classification Sherloc (09022015). Collection method: clinical testing. Allele origin: germline.
Comment: ClinVar contains an entry for this variant (Variation ID: 957326). For these reasons, this variant has been classified as Pathogenic. This variant has not been reported in the literature in individuals affected with POLE-related conditions. This sequence change creates a premature translational stop signal (p.Val372Glyfs*51) in the POLE gene. It is expected to result in an absent or disrupted protein product. Loss-of-function variants in POLE are known to be pathogenic (PMID: 23230001, 25948378, 30503519). This variant is not present in population databases (gnomAD no frequency).

Literature cited by the submitters: PubMed 23230001; PubMed 25948378; PubMed 30503519.